The following is an entry in ClinVar:

NM_000362.5(TIMP3):c.605A>T (p.Asp202Val)

Genes: SYN3 (synapsin III; minus strand), TIMP3 (TIMP metallopeptidase inhibitor 3; plus strand). Cytogenetic location: 22q12.3.
Variant type: single nucleotide variant.
Coding change: c.605A>T on transcript NM_000362.5 (MANE Select); coding-DNA position 605, A replaced by T.
Protein change: p.Asp202Val; replaces aspartic acid 202 with valine.
Molecular consequence: missense variant. On other transcripts: intron variant (7).
Genome position (GRCh38, 1-based): chr22:32,859,346, A>T. VCF-style: chr22-32859346-A-T. GRCh37 (hg19) VCF-style: chr22-33255333-A-T.
Other names: c.708+5569T>A (NM_001369909.1, NM_001135774.2, NM_001369910.1); c.711+5569T>A (NM_001369907.1, NM_003490.4, NM_001369908.1 and 1 more transcripts); short protein forms D202V.
Identifiers: ClinVar variation 2753463 (VCV002753463.3), dbSNP rs2545900983, ClinGen allele CA411540496.

ClinVar aggregate classification (germline): Uncertain significance (1 of 4 stars; one submission).

Submission:

Labcorp Genetics (formerly Invitae), Labcorp
Classification: Uncertain significance. Last evaluated: 2023-08-28. Review status: criteria provided, single submitter. Criteria: Invitae Variant Classification Sherloc (09022015). Collection method: clinical testing. Allele origin: germline.
Comment: In summary, the available evidence is currently insufficient to determine the role of this variant in disease. Therefore, it has been classified as a Variant of Uncertain Significance. An algorithm developed to predict the effect of missense changes on protein structure and function (PolyPhen-2) suggests that this variant is likely to be disruptive. This variant has not been reported in the literature in individuals affected with TIMP3-related conditions. This variant is not present in population databases (gnomAD no frequency). This sequence change replaces aspartic acid, which is acidic and polar, with valine, which is neutral and non-polar, at codon 202 of the TIMP3 protein (p.Asp202Val).